The following is an entry in ClinVar:

ClinVar aggregate classification (germline): Pathogenic/Likely pathogenic. Review status: criteria provided, multiple submitters, no conflicts (2 of 4 stars). 7 submissions from 7 submitters: Pathogenic (5); Likely pathogenic (1). 1 of the submissions does not count toward it. Last evaluated 2026-01-07.

Conditions:
MIP-related disorder. Also called: MIP-related condition.
Inborn genetic diseases. Identifiers: MedGen C0950123, MeSH D030342.
Cataract 15 multiple types. Also called: CATARACT 15, LAMELLAR WITH SUTURAL OPACITIES. Identifiers: Orphanet 91492, MedGen C3809001, MONDO:0014110, OMIM 615274.

Submissions (7):

Labcorp Genetics (formerly Invitae), Labcorp
Classification: Pathogenic for Cataract 15 multiple types. Last evaluated: 2026-01-07. Review status: criteria provided, single submitter. Criteria: Invitae Variant Classification Sherloc (09022015). Collection method: clinical testing. Allele origin: germline.
Comment: This sequence change creates a premature translational stop signal (p.Gly213Valfs*46) in the MIP gene. While this is not anticipated to result in nonsense mediated decay, it is expected to disrupt the last 51 amino acid(s) of the MIP protein. This variant is present in population databases (rs398122378, gnomAD 0.0009%). This premature translational stop signal has been observed in individuals with congenital cataracts (PMID: 16564824; internal data). It has also been observed to segregate with disease in related individuals. This variant is also known as Nt 3223del G. ClinVar contains an entry for this variant (Variation ID: 50960). Algorithms developed to predict the effect of variants on gene product structure and function are not available or were not evaluated for this variant. Experimental studies have shown that this premature translational stop signal affects MIP function (PMID: 18501347). For these reasons, this variant has been classified as Pathogenic.

PreventionGenetics, part of Exact Sciences
Classification: Pathogenic for MIP-related condition. Last evaluated: 2025-11-06. Review status: criteria provided, single submitter. Criteria: ACMG Guidelines, 2015. Collection method: clinical testing. Allele origin: germline.
Comment: The MIP c.638delG variant is predicted to result in a frameshift and premature protein termination (p.Gly213Valfs*46). This variant has been reported as segregating with disease in a large kindred with autosomal dominant cataracts (referred to as nt 3223 in Geyer et al. 2006. PubMed ID: 16564824). Functional studies using protein expression in xenopus oocytes showed that this variant leads to protein retention in the endoplasmic reticulum (ER), preventing trafficking to the plasma membrane and decreasing cell membrane water permeability (Varadaraj et al. 2008. PubMed ID: 18501347). This variant is present in 0.00089% of alleles in individuals of European (Non-Finnish) descent in gnomAD. Frameshift variants in MIP are an established mechanism of disease, and this variant has been classified as pathogenic by multiple independent submitters to the ClinVar database (Variation ID: 50960). Given the evidence, we interpret this variant as pathogenic.

Ambry Genetics
Classification: Likely pathogenic for Inborn genetic diseases. Last evaluated: 2025-09-05. Review status: criteria provided, single submitter. Criteria: Ambry Variant Classification Scheme 2023. Collection method: clinical testing. Allele origin: germline.
Comment: The c.638delG (p.G213Vfs*46) alteration, located in exon 4 (coding exon 4) of the MIP gene, consists of a deletion of one nucleotide at position 638, causing a translational frameshift with a predicted alternate stop codon after 46 amino acids. This alteration is expected to result in premature protein truncation or nonsense-mediated mRNA decay. However, loss of function of MIP has not been established as a mechanism of disease. Based on data from gnomAD, this allele has an overall frequency of <0.001% (1/249660) total alleles studied. The highest observed frequency was 0.001% (1/111956) of European (non-Finnish) alleles. This variant was identified in one or more individuals with features consistent with MIP-related congenital cataract (Fox, 2024; external communications; Ambry internal data) and segregated with disease in at least one family (Geyer, 2006). Functional studies demonstrated that this variant is non-functional due to its failure to properly traffic to the plasma membrane and induce cell death by necrosis through the loss of cell membrane integrity (Varadaraj, 2008). In another study, this variant did not significantly alter the localization and reduce cell proliferation compared to the wildtype MIP protein (Xiu, 2019). Based on the available evidence, this alteration is classified as likely pathogenic.

GeneDx
Classification: Pathogenic. Last evaluated: 2025-03-26. Review status: criteria provided, single submitter. Criteria: GeneDx Variant Classification Process June 2021. Collection method: clinical testing. Allele origin: germline. Affected: yes.
Comment: Published functional studies are discrepant regarding the effect of the variant on protein localization and function (PMID: 18501347, 30585525); Frameshift variant predicted to result in protein truncation, as the last 51 amino acids are replaced with 45 different amino acids, and other loss-of-function variants have been reported downstream in HGMD; Not observed at significant frequency in large population cohorts (gnomAD); This variant is associated with the following publications: (PMID: 38216115, 18501347, 30585525, 10937580, 16564824)

Dept. Genetics and Cancer, Menzies Institute for Medical Research, University of Tasmania
Classification: Pathogenic for Cataract 15 multiple types. Last evaluated: 2024-09-12. Review status: criteria provided, single submitter. Criteria: ACMG Guidelines, 2015. Collection method: research. Allele origin: germline. Affected: yes. Observed: 1 variant allele.
Comment: MIP NM_012064.4:c.638delG p.(Glu213Valfs*46) variant. ACMG-AMP criteria: PM2_Supp, PP1_Strong, PS4_Supp, PVS1_Strong. Absent from population databases (gnomad v4.0), multiple segregations reported (PMID:16564824), Reported in multiple unrelated probands (PMID:16564824 and this study), Frameshift variant not predicted to undergo NMD in region of unknown function which removes >10% of the protein.

Greenwood Genetic Center Diagnostic Laboratories, Greenwood Genetic Center
Classification: Pathogenic for Cataract 15 multiple types. Last evaluated: 2021-08-23. Review status: criteria provided, single submitter. Criteria: ACMG Guidelines, 2015. Collection method: clinical testing. Allele origin: germline. Affected: yes.
Comment: PVS1, PS3, PM2

OMIM
Classification: Pathogenic for CATARACT 15, MULTIPLE TYPES. Last evaluated: 2006-04-01. Review status: no assertion criteria provided. Collection method: literature only. Allele origin: germline. Not counted in ClinVar's aggregate classification.

Literature cited by the submitters: PubMed 16564824 (cited by 3 submitters); PubMed 18501347 (cited by Labcorp Genetics (formerly Invitae), Labcorp and Ambry Genetics); PubMed 30585525 (cited by Ambry Genetics); PubMed 38216115 (cited by Ambry Genetics); PubMed 3456204 (cited by OMIM); PubMed 10937580 (cited by OMIM).

NM_012064.4(MIP):c.638del (p.Gly213fs)

Gene: MIP (major intrinsic protein of lens fiber; minus strand). Cytogenetic location: 12q13.3.
Variant type: Deletion.
Coding change: c.638del on transcript NM_012064.4 (MANE Select); coding-DNA position 638, one base deleted (G; older notation c.638delG).
Protein change: p.Gly213fs; shifts the reading frame from glycine 213.
Molecular consequence: frameshift variant.
Genome position (GRCh38, 1-based): chr12:56,451,434, C deleted on the plus strand (G on the coding strand, the reverse complement: MIP is on the minus strand); the first of 5 consecutive C bases (chr12:56,451,434-56,451,438); deleting any one gives the same sequence. VCF-style (leftmost placement, unchanged base first): chr12-56451433-AC-A. GRCh37 (hg19) VCF-style: chr12-56845217-AC-A.
Other names: c.638del (NM_012064.3); c.638delG (NM_012064.4); short protein forms G213fs.
Identifiers: ClinVar variation 50960 (VCV000050960.23), dbSNP rs398122378, ClinGen allele CA214993.